The following is an entry in ClinVar:

NM_000747.3(CHRNB1):c.679G>A (p.Gly227Arg)

Gene: CHRNB1 (cholinergic receptor nicotinic beta 1 subunit; plus strand). Cytogenetic location: 17p13.1.
Variant type: single nucleotide variant.
Coding change: c.679G>A on transcript NM_000747.3 (MANE Select); coding-DNA position 679, G replaced by A.
Protein change: p.Gly227Arg; replaces glycine 227 with arginine.
Molecular consequence: missense variant.
Genome position (GRCh38, 1-based): chr17:7,448,647, G>A. VCF-style: chr17-7448647-G-A. GRCh37 (hg19) VCF-style: chr17-7351966-G-A.
Other names: short protein forms G227R.
Identifiers: ClinVar variation 3666913 (VCV003666913.2).

ClinVar aggregate classification (germline): Uncertain significance (1 of 4 stars; one submission).

Conditions:
Congenital myasthenic syndrome 2A. Also called: Myasthenic syndrome, congenital, 2a, slow-channel. Identifiers: Orphanet 590, MedGen C4225374, MONDO:0014581, OMIM 616313.

gnomAD v4.1: 3 of 1,614,132 alleles (0.00019%); highest among the groups gnomAD compares: South Asian, 0.0011%; no homozygotes.

Submission:

Labcorp Genetics (formerly Invitae), Labcorp
Classification: Uncertain significance for Congenital myasthenic syndrome 2A. Last evaluated: 2024-06-03. Review status: criteria provided, single submitter. Criteria: Invitae Variant Classification Sherloc (09022015). Collection method: clinical testing. Allele origin: germline.
Comment: This sequence change replaces glycine, which is neutral and non-polar, with arginine, which is basic and polar, at codon 227 of the CHRNB1 protein (p.Gly227Arg). This variant is present in population databases (rs754282990, gnomAD 0.003%). This variant has not been reported in the literature in individuals affected with CHRNB1-related conditions. Advanced modeling of protein sequence and biophysical properties (such as structural, functional, and spatial information, amino acid conservation, physicochemical variation, residue mobility, and thermodynamic stability) performed at Invitae indicates that this missense variant is not expected to disrupt CHRNB1 protein function with a negative predictive value of 95%. In summary, the available evidence is currently insufficient to determine the role of this variant in disease. Therefore, it has been classified as a Variant of Uncertain Significance.